The following is an entry in ClinVar:

NM_001101.5(ACTB):c.389C>T (p.Pro130Leu)

Gene: ACTB (actin beta; minus strand). Cytogenetic location: 7p22.1.
Variant type: single nucleotide variant.
Coding change: c.389C>T on transcript NM_001101.5 (MANE Select); coding-DNA position 389, C replaced by T.
Protein change: p.Pro130Leu; replaces proline 130 with leucine.
Molecular consequence: missense variant.
Genome position (GRCh38, 1-based): chr7:5,528,694, G>A on the plus strand (C>T on the coding strand, the complement: ACTB is on the minus strand). VCF-style: chr7-5528694-G-A. GRCh37 (hg19) VCF-style: chr7-5568325-G-A.
Other names: short protein forms P130L.
Identifiers: ClinVar variation 1698064 (VCV001698064.2), dbSNP rs2128241308, ClinGen allele CA366703878.

ClinVar aggregate classification (germline): Uncertain significance (1 of 4 stars; one submission).

Submission:

GeneDx
Classification: Uncertain significance. Last evaluated: 2022-01-21. Review status: criteria provided, single submitter. Criteria: GeneDx Variant Classification Process June 2021. Collection method: clinical testing. Allele origin: germline. Affected: yes.
Comment: Has not been previously published as pathogenic or benign to our knowledge; Not observed at significant frequency in large population cohorts (gnomAD); In silico analysis supports that this missense variant has a deleterious effect on protein structure/function; Missense variants in this gene are often considered pathogenic (HGMD); This variant is associated with the following publications: (PMID: 25853898)